The following is an entry in ClinVar:

NM_032380.5(GFM2):c.1732T>A (p.Leu578Ile)

Gene: GFM2 (GTP dependent ribosome recycling factor mitochondrial 2; minus strand). Cytogenetic location: 5q13.3.
Variant type: single nucleotide variant.
Coding change: c.1732T>A on transcript NM_032380.5 (MANE Select); coding-DNA position 1732, T replaced by A.
Protein change: p.Leu578Ile; replaces leucine 578 with isoleucine.
Molecular consequence: missense variant. On other transcripts: non-coding transcript variant (1).
Genome position (GRCh38, 1-based): chr5:74,726,121, A>T on the plus strand (T>A on the coding strand, the complement: GFM2 is on the minus strand). VCF-style: chr5-74726121-A-T. GRCh37 (hg19) VCF-style: chr5-74021946-A-T.
Other names: c.1828T>A, p.Leu610Ile (NM_001281302.2); c.1591T>A, p.Leu531Ile (NM_170691.3); short protein forms L531I, L578I, L610I.
Identifiers: ClinVar variation 2501459 (VCV002501459.1), dbSNP rs2478810215, ClinGen allele CA360077327.

ClinVar aggregate classification (germline): Uncertain significance (1 of 4 stars; one submission).

Submission:

GeneDx
Classification: Uncertain significance. Last evaluated: 2022-11-03. Review status: criteria provided, single submitter. Criteria: GeneDx Variant Classification Process June 2021. Collection method: clinical testing. Allele origin: germline. Affected: yes.
Comment: Not observed at significant frequency in large population cohorts (gnomAD); In silico analysis supports that this missense variant does not alter protein structure/function; Has not been previously published as pathogenic or benign to our knowledge